The following is an entry in ClinVar:

ClinVar aggregate classification (germline): Benign (1 of 4 stars; one submission).

Conditions:
MELAS syndrome (MELAS). Also called: Juvenile myopathy, encephalopathy, lactic acidosis, stroke. Identifiers: Orphanet 550, MedGen C0162671, MONDO:0010789, OMIM 540000.

Submission:

Wong Mito Lab, Molecular and Human Genetics, Baylor College of Medicine
Classification: Benign for MELAS syndrome. Last evaluated: 2019-07-12. Review status: criteria provided, single submitter. Criteria: Modified ACMG Guidelines (Unpublished). Collection method: clinical testing. Allele origin: germline.
Comment: The NC_012920.1:m.7569A>G variant in MT-TD gene is interpreted to be a Benign variant based on the modified ACMG guidelines (unpublished). This variant meets the following evidence codes reported in the guidelines: BS1, BS2, BP4

Literature cited by the submitters: PubMed 31965079.

NC_012920.1(MT-TD):m.7569A>G

Gene: MT-TD (mitochondrially encoded tRNA aspartic acid; plus strand).
Variant type: single nucleotide variant.
Genome position: chrM-7569-A-G.
Identifiers: ClinVar variation 690054 (VCV000690054.1), dbSNP rs1603221021, ClinGen allele CA913177440.